The following is an entry in ClinVar:

NM_002693.3(POLG):c.2496T>G (p.Asp832Glu)

Gene: POLG (DNA polymerase gamma, catalytic subunit; minus strand). Cytogenetic location: 15q26.1.
Variant type: single nucleotide variant.
Coding change: c.2496T>G on transcript NM_002693.3 (MANE Select); coding-DNA position 2496, T replaced by G.
Protein change: p.Asp832Glu; replaces aspartic acid 832 with glutamic acid.
Molecular consequence: missense variant.
Genome position (GRCh38, 1-based): chr15:89,321,838, A>C on the plus strand (T>G on the coding strand, the complement: POLG is on the minus strand). VCF-style: chr15-89321838-A-C. GRCh37 (hg19) VCF-style: chr15-89865069-A-C.
Other names: p.D832E:GAT>GAG; c.2496T>G, p.Asp832Glu (NM_001126131.2); short protein forms D832E.
Identifiers: ClinVar variation 206526 (VCV000206526.12), dbSNP rs762985241, ClinGen allele CA316697.

ClinVar aggregate classification (germline): Uncertain significance. Review status: criteria provided, multiple submitters, no conflicts (2 of 4 stars). 3 submissions from 3 submitters: Uncertain significance (3). Last evaluated 2025-10-23.

Conditions:
Inborn genetic diseases. Identifiers: MedGen C0950123, MeSH D030342.
Progressive sclerosing poliodystrophy (MTDPS4A). Also called: ALPERS DIFFUSE DEGENERATION OF CEREBRAL GRAY MATTER WITH HEPATIC CIRRHOSIS; Alpers-Huttenlocher Syndrome; ALPERS PROGRESSIVE INFANTILE POLIODYSTROPHY; NEURONAL DEGENERATION OF CHILDHOOD WITH LIVER DISEASE, PROGRESSIVE; Mitochondrial DNA Depletion Syndrome 4A; Alpers-Huttenlocher Syndrome (AHS). Identifiers: Orphanet 726, MedGen C0205710, MONDO:0008758, OMIM 203700.

Allele frequency attached by ClinVar (database versions not stated): gnomAD exomes below 0.00001 and 0.00003; ExAC 0.00001; gnomAD 0.00001; TOPMed 0.00002.
gnomAD v4.1: 39 of 1,613,822 alleles (0.0024%); highest among the groups gnomAD compares: Non-Finnish European, 0.0031%; no homozygotes.

Submissions (3):

Labcorp Genetics (formerly Invitae), Labcorp
Classification: Uncertain significance for Progressive sclerosing poliodystrophy. Last evaluated: 2025-10-23. Review status: criteria provided, single submitter. Criteria: Invitae Variant Classification Sherloc (09022015). Collection method: clinical testing. Allele origin: germline.
Comment: This sequence change replaces aspartic acid, which is acidic and polar, with glutamic acid, which is acidic and polar, at codon 832 of the POLG protein (p.Asp832Glu). This variant is present in population databases (rs762985241, gnomAD 0.0009%). This variant has not been reported in the literature in individuals affected with POLG-related conditions. ClinVar contains an entry for this variant (Variation ID: 206526). Invitae Evidence Modeling of protein sequence and biophysical properties (such as structural, functional, and spatial information, amino acid conservation, physicochemical variation, residue mobility, and thermodynamic stability) indicates that this missense variant is not expected to disrupt POLG protein function with a negative predictive value of 95%. In summary, the available evidence is currently insufficient to determine the role of this variant in disease. Therefore, it has been classified as a Variant of Uncertain Significance.

Ambry Genetics
Classification: Uncertain significance for Inborn genetic diseases. Last evaluated: 2025-04-01. Review status: criteria provided, single submitter. Criteria: Ambry Variant Classification Scheme 2023. Collection method: clinical testing. Allele origin: germline.

GeneDx
Classification: Uncertain significance. Last evaluated: 2019-06-28. Review status: criteria provided, single submitter. Criteria: GeneDx Variant Classification Process June 2021. Collection method: clinical testing. Allele origin: germline. Affected: yes.
Comment: Has not been previously published as pathogenic or benign to our knowledge; Not observed at a significant frequency in large population cohorts (Lek et al., 2016); In silico analysis, which includes protein predictors and evolutionary conservation, supports that this variant does not alter protein structure/function